The following is an entry in ClinVar:

NM_015459.5(ATL3):c.1500C>T (p.Gly500=)

Genes: ATL3 (atlastin GTPase 3; minus strand), LNCROPM (lncRNA regulator of PLAAT3 mediated phospholipid metabolism; plus strand). Cytogenetic location: 11q13.1.
Variant type: single nucleotide variant.
Coding change: c.1500C>T on transcript NM_015459.5 (MANE Select); coding-DNA position 1500, C replaced by T.
Protein change: p.Gly500=; no amino-acid change (glycine 500 retained).
Molecular consequence: synonymous variant.
Genome position (GRCh38, 1-based): chr11:63,631,079, G>A on the plus strand (C>T on the coding strand, the complement: ATL3 is on the minus strand). VCF-style: chr11-63631079-G-A. GRCh37 (hg19) VCF-style: chr11-63398551-G-A.
Other names: c.1446C>T, p.Gly482= (NM_001290048.2); c.1500C>T (NM_015459.3).
Identifiers: ClinVar variation 1631858 (VCV001631858.40), dbSNP rs202227458, ClinGen allele CA6063508.
Genomic context (GRCh38, chr11:63,631,079, plus strand): 5'-CTCTTCAGCAGCACCACTTACCTGCTCCAACACATATGCGGCACCAAAATCAATAGCTCC[G>A]CCCAGCTCACGATATTGACCAGAATACCTGATGTAGCCCCAGGTGAGGAGTGCTATTAAC-3'
Protein context (NP_056274.3, residues 490-510): IRYSGQYREL[Gly500=]GAIDFGAAYV

ClinVar aggregate classification (germline): Conflicting classifications of pathogenicity. Review status: criteria provided, conflicting classifications (1 of 4 stars). 3 submissions from 3 submitters: Uncertain significance (1); Likely benign (2). Last evaluated 2023-12-28.

Conditions:
Neuropathy, hereditary sensory, type 1F. Also called: HSN IF; Hereditary sensory neuropathy type IF. Identifiers: Orphanet 36386, MedGen C3810194, MONDO:0014286, OMIM 615632.

Allele frequency attached by ClinVar (database versions not stated): gnomAD 0.00002 and 0.00003; gnomAD exomes 0.00002; ExAC 0.00003; TOPMed 0.00003; 1000 Genomes Project 30x 0.00016; 1000 Genomes Project 0.00020.
gnomAD v4.1: 30 of 1,613,862 alleles (0.0019%); highest among the groups gnomAD compares: Admixed American, 0.022%; no homozygotes.

Submissions (3):

Labcorp Genetics (formerly Invitae), Labcorp
Classification: Likely benign for Neuropathy, hereditary sensory, type 1F. Last evaluated: 2023-12-28. Review status: criteria provided, single submitter. Criteria: Invitae Variant Classification Sherloc (09022015). Collection method: clinical testing. Allele origin: germline.

CeGaT Center for Human Genetics Tuebingen
Classification: Likely benign. Last evaluated: 2023-04-01. Review status: criteria provided, single submitter. Criteria: CeGaT Center For Human Genetics Tuebingen Variant Classification Criteria Version 2. Collection method: clinical testing. Allele origin: germline. Affected: yes. Observed: 1 variant allele.
Comment: ATL3: BP4, BP7

Revvity Omics, Revvity
Classification: Uncertain significance for Neuropathy, hereditary sensory, type 1F. Last evaluated: 2019-05-15. Review status: criteria provided, single submitter. Criteria: ACMG Guidelines, 2015. Collection method: clinical testing. Allele origin: germline.